The following is an entry in ClinVar:

NM_130837.3(OPA1):c.460A>G (p.Lys154Glu)

Gene: OPA1 (OPA1 mitochondrial dynamin like GTPase; plus strand). Cytogenetic location: 3q29.
Variant type: single nucleotide variant.
Coding change: c.460A>G on transcript NM_130837.3 (MANE Select); coding-DNA position 460, A replaced by G.
Protein change: p.Lys154Glu; replaces lysine 154 with glutamic acid.
Molecular consequence: missense variant. On other transcripts: intron variant (5).
Genome position (GRCh38, 1-based): chr3:193,617,189, A>G. VCF-style: chr3-193617189-A-G. GRCh37 (hg19) VCF-style: chr3-193334978-A-G.
Other names: c.88A>G, p.Lys30Glu (NM_001354664.2); c.460A>G, p.Lys154Glu (NM_015560.3, NM_130834.3, NM_130836.3); c.76+1419A>G (NM_001354663.2); c.449-595A>G (NM_130835.3, NM_130832.3); c.448+1419A>G (NM_130833.3, NM_130831.3); short protein forms K154E, K30E.
Identifiers: ClinVar variation 3390684 (VCV003390684.1).

ClinVar aggregate classification (germline): Uncertain significance (1 of 4 stars; one submission).

Submission:

GeneDx
Classification: Uncertain significance. Last evaluated: 2024-06-11. Review status: criteria provided, single submitter. Criteria: GeneDx Variant Classification Process June 2021. Collection method: clinical testing. Allele origin: germline. Affected: yes.
Comment: Not observed at significant frequency in large population cohorts (gnomAD); In silico analysis supports that this missense variant has a deleterious effect on protein structure/function; Has not been previously published as pathogenic or benign to our knowledge